The following is an entry in ClinVar:

NM_001111125.3(IQSEC2):c.692C>T (p.Thr231Met)

Gene: IQSEC2 (IQ motif and Sec7 domain ArfGEF 2; minus strand). Cytogenetic location: Xp11.22.
Variant type: single nucleotide variant.
Coding change: c.692C>T on transcript NM_001111125.3 (MANE Select); coding-DNA position 692, C replaced by T.
Protein change: p.Thr231Met; replaces threonine 231 with methionine.
Molecular consequence: missense variant.
Genome position (GRCh38, 1-based): chrX:53,320,432, G>A on the plus strand (C>T on the coding strand, the complement: IQSEC2 is on the minus strand). VCF-style: chrX-53320432-G-A. GRCh37 (hg19) VCF-style: chrX-53349630-G-A.
Other names: c.692C>T, p.Thr231Met (NM_001410736.1); short protein forms T231M.
Identifiers: ClinVar variation 2700070 (VCV002700070.3), dbSNP rs2520564346, ClinGen allele CA413238802.

ClinVar aggregate classification (germline): Uncertain significance (1 of 4 stars; one submission).

Conditions:
Intellectual developmental disorder, X-linked 1. Also called: MENTAL RETARDATION, X-LINKED 18; MENTAL RETARDATION, X-LINKED 78; Atkin Flaitz Patil Smith syndrome; Intellectual disability, X-linked 1. Identifiers: Orphanet 777, MedGen C2931498, MONDO:0010656, OMIM 309530.

Submission:

Labcorp Genetics (formerly Invitae), Labcorp
Classification: Uncertain significance for Intellectual developmental disorder, X-linked 1. Last evaluated: 2025-05-04. Review status: criteria provided, single submitter. Criteria: Invitae Variant Classification Sherloc (09022015). Collection method: clinical testing. Allele origin: germline.
Comment: This sequence change replaces threonine, which is neutral and polar, with methionine, which is neutral and non-polar, at codon 231 of the IQSEC2 protein (p.Thr231Met). This variant is not present in population databases (gnomAD no frequency). This variant has not been reported in the literature in individuals affected with IQSEC2-related conditions. ClinVar contains an entry for this variant (Variation ID: 2700070). Invitae Evidence Modeling of protein sequence and biophysical properties (such as structural, functional, and spatial information, amino acid conservation, physicochemical variation, residue mobility, and thermodynamic stability) indicates that this missense variant is not expected to disrupt IQSEC2 protein function with a negative predictive value of 95%. In summary, the available evidence is currently insufficient to determine the role of this variant in disease. Therefore, it has been classified as a Variant of Uncertain Significance.